The following is an entry in ClinVar:

ClinVar aggregate classification (germline): Uncertain significance (1 of 4 stars; one submission).

Conditions:
Hereditary hemorrhagic telangiectasia (HHT). Also called: ORW DISEASE; Osler Weber Rendu syndrome; OSLER-RENDU-WEBER DISEASE; Osler hemorrhagic telangiectasia syndrome. Identifiers: Orphanet 774, MedGen C0039445, MONDO:0019180. Disease mechanism: loss of function.

Submission:

Labcorp Genetics (formerly Invitae), Labcorp
Classification: Uncertain significance for Hereditary hemorrhagic telangiectasia. Last evaluated: 2025-04-09. Review status: criteria provided, single submitter. Criteria: Invitae Variant Classification Sherloc (09022015). Collection method: clinical testing. Allele origin: germline.
Comment: This variant, c.803_805del, results in the deletion of 1 amino acid(s) of the ENG protein (p.Asn268del), but otherwise preserves the integrity of the reading frame. This variant is not present in population databases (gnomAD no frequency). This variant has been observed in individual(s) with hereditary hemorrhagic telangiectasia (internal data). It has also been observed to segregate with disease in related individuals. Experimental studies and prediction algorithms are not available or were not evaluated, and the functional significance of this variant is currently unknown. In summary, the available evidence is currently insufficient to determine the role of this variant in disease. Therefore, it has been classified as a Variant of Uncertain Significance.

NM_001114753.3(ENG):c.800ACA[1] (p.Asn268del)

Gene: ENG (endoglin; minus strand). Cytogenetic location: 9q34.11.
Variant type: Microsatellite.
Coding change: c.800ACA[1] on transcript NM_001114753.3 (MANE Select); one copy of the 3-base unit ACA starting at c.800; the reference has two copies in a row; one copy, 3 bases deleted.
Protein change: p.Asn268del; deletes asparagine 268.
Molecular consequence: inframe deletion.
Genome position (GRCh38, 1-based): chr9:127,825,242-127,825,244, TGT deleted on the plus strand (ACA on the coding strand, the reverse complement: ENG is on the minus strand); deleting any 3 consecutive bases within chr9:127,825,242-127,825,247 gives the same sequence; the position shown is the placement nearest the transcript's 3' end. VCF-style (leftmost placement, unchanged base first): chr9-127825241-ATGT-A. GRCh37 (hg19) VCF-style: chr9-130587520-ATGT-A.
Other names: c.800ACA[1], p.Asn268del (NM_000118.4, NM_001406715.1); c.254ACA[1], p.Asn86del (NM_001278138.2); short protein forms N86del, N268del.
Identifiers: ClinVar variation 4712433 (VCV004712433.1).